The following is an entry in ClinVar:

ClinVar aggregate classification (germline): Pathogenic (1 of 4 stars; one submission).

Submission:

Labcorp Genetics (formerly Invitae), Labcorp
Classification: Pathogenic. Last evaluated: 2024-05-20. Review status: criteria provided, single submitter. Criteria: Invitae Variant Classification Sherloc (09022015). Collection method: clinical testing. Allele origin: germline.
Comment: This sequence change replaces glycine, which is neutral and non-polar, with serine, which is neutral and polar, at codon 1064 of the ABCA4 protein (p.Gly1064Ser). This variant also falls at the last nucleotide of exon 21, which is part of the consensus splice site for this exon. This variant is not present in population databases (gnomAD no frequency). This missense change has been observed in individual(s) with Stargardt disease (PMID: 36209838). ClinVar contains an entry for this variant (Variation ID: 1395215). An algorithm developed to predict the effect of missense changes on protein structure and function (PolyPhen-2) suggests that this variant is likely to be disruptive. Variants that disrupt the consensus splice site are a relatively common cause of aberrant splicing (PMID: 17576681, 9536098). Algorithms developed to predict the effect of sequence changes on RNA splicing suggest that this variant may disrupt the consensus splice site. This variant disrupts the c.3190G nucleotide in the ABCA4 gene. Other variant(s) that disrupt this nucleotide have been determined to be pathogenic (PMID: 32399422). This suggests that this nucleotide is clinically significant, and that variants that disrupt this position are likely to be disease-causing. For these reasons, this variant has been classified as Pathogenic.

Literature cited by the submitters: PubMed 36209838; PubMed 17576681; PubMed 9536098; PubMed 32399422.

NM_000350.3(ABCA4):c.3190G>A (p.Gly1064Ser)

Gene: ABCA4 (ATP binding cassette subfamily A member 4; minus strand). Cytogenetic location: 1p22.1.
Variant type: single nucleotide variant.
Coding change: c.3190G>A on transcript NM_000350.3 (MANE Select); coding-DNA position 3190, G replaced by A.
Protein change: p.Gly1064Ser; replaces glycine 1064 with serine.
Molecular consequence: missense variant.
Genome position (GRCh38, 1-based): chr1:94,043,336, C>T on the plus strand (G>A on the coding strand, the complement: ABCA4 is on the minus strand). VCF-style: chr1-94043336-C-T. GRCh37 (hg19) VCF-style: chr1-94508892-C-T.
Other names: c.2968G>A, p.Gly990Ser (NM_001425324.1); short protein forms G1064S, G990S.
Identifiers: ClinVar variation 1395215 (VCV001395215.6), dbSNP rs2101051331, ClinGen allele CA341292394.